The following is an entry in ClinVar:

ClinVar aggregate classification (germline): Likely benign (1 of 4 stars; one submission).

Submission:

CeGaT Center for Human Genetics Tuebingen
Classification: Likely benign. Last evaluated: 2025-02-01. Review status: criteria provided, single submitter. Criteria: CeGaT Center For Human Genetics Tuebingen Variant Classification Criteria Version 2. Collection method: clinical testing. Allele origin: germline. Affected: yes. Observed: 2 variant alleles.
Comment: MAGEL2: BP4, BP7

NM_019066.5(MAGEL2):c.561C>A (p.Thr187=)

Gene: MAGEL2 (MAGE family member L2; minus strand). Cytogenetic location: 15q11.2.
Variant type: single nucleotide variant.
Coding change: c.561C>A on transcript NM_019066.5 (MANE Select); coding-DNA position 561, C replaced by A.
Protein change: p.Thr187=; no amino-acid change (threonine 187 retained).
Molecular consequence: synonymous variant.
Genome position (GRCh38, 1-based): chr15:23,647,182, G>T on the plus strand (C>A on the coding strand, the complement: MAGEL2 is on the minus strand). VCF-style: chr15-23647182-G-T. GRCh37 (hg19) VCF-style: chr15-23892329-G-T.
Identifiers: ClinVar variation 2644997 (VCV002644997.24), dbSNP rs978397018, ClinGen allele CA656125383.